The following is an entry in ClinVar:

ClinVar aggregate classification (germline): Uncertain significance (1 of 4 stars; one submission).

Conditions:
POLD1-related polyposis and colorectal cancer syndrome (CRCS10). Also called: Colorectal cancer 10; COLORECTAL CANCER, SUSCEPTIBILITY TO, ON CHROMOSOME 19q; Colorectal cancer, susceptibility to, 10. Identifiers: Orphanet 220460, MedGen C2675481, MONDO:0012953, OMIM 612591.

Submission:

Labcorp Genetics (formerly Invitae), Labcorp
Classification: Uncertain significance for POLD1-related polyposis and colorectal cancer syndrome. Last evaluated: 2022-04-07. Review status: criteria provided, single submitter. Criteria: Invitae Variant Classification Sherloc (09022015). Collection method: clinical testing. Allele origin: germline.
Comment: This sequence change replaces alanine, which is neutral and non-polar, with valine, which is neutral and non-polar, at codon 862 of the POLD1 protein (p.Ala862Val). This variant is not present in population databases (gnomAD no frequency). This variant has not been reported in the literature in individuals affected with POLD1-related conditions. Algorithms developed to predict the effect of missense changes on protein structure and function (SIFT, PolyPhen-2, Align-GVGD) all suggest that this variant is likely to be tolerated. Algorithms developed to predict the effect of sequence changes on RNA splicing suggest that this variant may create or strengthen a splice site. In summary, the available evidence is currently insufficient to determine the role of this variant in disease. Therefore, it has been classified as a Variant of Uncertain Significance.

NM_002691.4(POLD1):c.2585C>T (p.Ala862Val)

Gene: POLD1 (DNA polymerase delta 1, catalytic subunit; plus strand). Cytogenetic location: 19q13.33.
Variant type: single nucleotide variant.
Coding change: c.2585C>T on transcript NM_002691.4 (MANE Select); coding-DNA position 2585, C replaced by T.
Protein change: p.Ala862Val; replaces alanine 862 with valine.
Molecular consequence: missense variant. On other transcripts: non-coding transcript variant (1).
Genome position (GRCh38, 1-based): chr19:50,415,458, C>T. VCF-style: chr19-50415458-C-T. GRCh37 (hg19) VCF-style: chr19-50918715-C-T.
Other names: c.2585C>T, p.Ala862Val (NM_001256849.1); c.2663C>T, p.Ala888Val (NM_001308632.1); short protein forms A862V, A888V.
Identifiers: ClinVar variation 2122370 (VCV002122370.4), dbSNP rs2039244251, ClinGen allele CA406985328.